The following is an entry in ClinVar:

ClinVar aggregate classification (germline): Uncertain significance. Review status: criteria provided, multiple submitters, no conflicts (2 of 4 stars). 3 submissions from 3 submitters: Uncertain significance (3). Last evaluated 2025-04-23.

Conditions:
Cardiovascular phenotype. Identifiers: MedGen CN230736.

Allele frequency attached by ClinVar (database versions not stated): TOPMed below 0.00001; ExAC 0.00001; gnomAD 0.00001.
gnomAD v4.1: 43 of 1,613,592 alleles (0.0027%); highest among the groups gnomAD compares: South Asian, 0.0033%; no homozygotes.

Submissions (3):

Ambry Genetics
Classification: Uncertain significance for Cardiovascular phenotype. Last evaluated: 2025-04-23. Review status: criteria provided, single submitter. Criteria: Ambry Variant Classification Scheme 2023. Collection method: clinical testing. Allele origin: germline.
Comment: The p.V2172M variant (also known as c.6514G>A), located in coding exon 17 of the TNXB gene, results from a G to A substitution at nucleotide position 6514. The valine at codon 2172 is replaced by methionine, an amino acid with highly similar properties. This amino acid position is conserved. In addition, this alteration is predicted to be tolerated by in silico analysis. Since supporting evidence is limited at this time, the clinical significance of this alteration remains unclear.

GeneDx
Classification: Uncertain significance. Last evaluated: 2021-09-14. Review status: criteria provided, single submitter. Criteria: GeneDx Variant Classification Process June 2021. Collection method: clinical testing. Allele origin: germline. Affected: yes.
Comment: Has not been previously published as pathogenic or benign to our knowledge; Not observed at significant frequency in large population cohorts (Lek et al., 2016); In silico analysis supports that this missense variant does not alter protein structure/function

CeGaT Center for Human Genetics Tuebingen
Classification: Uncertain significance. Last evaluated: 2017-09-01. Review status: criteria provided, single submitter. Criteria: CeGaT Center For Human Genetics Tuebingen Variant Classification Criteria Version 2. Collection method: clinical testing. Allele origin: germline. Affected: yes. Observed: 1 variant allele.

NM_001365276.2(TNXB):c.6514G>A (p.Val2172Met)

Gene: TNXB (tenascin XB; minus strand). Cytogenetic location: 6p21.33.
Variant type: single nucleotide variant.
Coding change: c.6514G>A on transcript NM_001365276.2 (MANE Select); coding-DNA position 6514, G replaced by A.
Protein change: p.Val2172Met; replaces valine 2172 with methionine.
Molecular consequence: missense variant.
Genome position (GRCh38, 1-based): chr6:32,067,691, C>T on the plus strand (G>A on the coding strand, the complement: TNXB is on the minus strand). VCF-style: chr6-32067691-C-T. GRCh37 (hg19) VCF-style: chr6-32035468-C-T.
Other names: c.6514G>A, p.Val2172Met (NM_019105.8); short protein forms V2172M.
Identifiers: ClinVar variation 493430 (VCV000493430.47), dbSNP rs766408404, ClinGen allele CA3734405.